The following is an entry in ClinVar:

ClinVar aggregate classification (germline): Pathogenic (1 of 4 stars; one submission).

Conditions:
Congenital myasthenic syndrome 11. Also called: MYASTHENIC SYNDROME, CONGENITAL, Ie; Myasthenic syndrome, congenital, 11, associated with acetylcholine receptor deficiency. Identifiers: Orphanet 590, MedGen C4225367, MONDO:0014588, OMIM 616326.
Fetal akinesia deformation sequence 1 (FADS1). Also called: Fetal akinesia sequence; Pena-Shokeir syndrome type I. Identifiers: Orphanet 994, MedGen C1276035, MONDO:0100101, OMIM 208150, HP:0001989.

Submission:

Labcorp Genetics (formerly Invitae), Labcorp
Classification: Pathogenic for Congenital myasthenic syndrome 11; Fetal akinesia deformation sequence 1. Last evaluated: 2023-07-19. Review status: criteria provided, single submitter. Criteria: Invitae Variant Classification Sherloc (09022015). Collection method: clinical testing. Allele origin: germline.
Comment: For these reasons, this variant has been classified as Pathogenic. This variant has not been reported in the literature in individuals affected with RAPSN-related conditions. This variant is not present in population databases (gnomAD no frequency). This sequence change creates a premature translational stop signal (p.Trp296*) in the RAPSN gene. It is expected to result in an absent or disrupted protein product. Loss-of-function variants in RAPSN are known to be pathogenic (PMID: 17686188).

Literature cited by the submitters: PubMed 17686188.

NM_005055.5(RAPSN):c.888G>A (p.Trp296Ter)

Gene: RAPSN (receptor associated protein of the synapse; minus strand). Cytogenetic location: 11p11.2.
Variant type: single nucleotide variant.
Coding change: c.888G>A on transcript NM_005055.5 (MANE Select); coding-DNA position 888, G replaced by A.
Protein change: p.Trp296Ter; replaces tryptophan 296 with a stop codon.
Molecular consequence: nonsense. On other transcripts: intron variant (1).
Genome position (GRCh38, 1-based): chr11:47,441,635, C>T on the plus strand (G>A on the coding strand, the complement: RAPSN is on the minus strand). VCF-style: chr11-47441635-C-T. GRCh37 (hg19) VCF-style: chr11-47463187-C-T.
Other names: c.789+188G>A (NM_032645.5); short protein forms W296*.
Identifiers: ClinVar variation 2941692 (VCV002941692.3), dbSNP rs2496099950, ClinGen allele CA380328989.